The following is an entry in ClinVar:

ClinVar aggregate classification (germline): Uncertain significance. Review status: criteria provided, multiple submitters, no conflicts (2 of 4 stars). 3 submissions from 3 submitters: Uncertain significance (3). Last evaluated 2025-08-01.

Conditions:
Hereditary cancer-predisposing syndrome. Also called: Hereditary Cancer Syndrome; Tumor predisposition; Neoplastic Syndromes, Hereditary; Hereditary neoplastic syndrome. Identifiers: Orphanet 140162, MedGen C0027672, MeSH D009386, MONDO:0015356.
Familial adenomatous polyposis 1 (FAP1). Also called: FAMILIAL ADENOMATOUS POLYPOSIS 1, ATTENUATED; POLYPOSIS, ADENOMATOUS INTESTINAL. Identifiers: MedGen C2713442, MONDO:0021056, OMIM 175100. Disease mechanism: loss of function.

Submissions (3):

Ambry Genetics
Classification: Uncertain significance for Hereditary cancer-predisposing syndrome. Last evaluated: 2025-08-01. Review status: criteria provided, single submitter. Criteria: Ambry Variant Classification Scheme 2023. Collection method: clinical testing. Allele origin: germline.
Comment: The p.V368L variant (also known as c.1102G>C), located in coding exon 9 of the APC gene, results from a G to C substitution at nucleotide position 1102. The valine at codon 368 is replaced by leucine, an amino acid with highly similar properties. This amino acid position is well conserved in available vertebrate species. In addition, in silico predictors for this gene do not accurately predict pathogenicity. Missense alterations in APC are not a common cause of disease (Spier I et al. Genet Med. 2024 Feb;26(2):100992). Based on the available evidence, the clinical significance of this variant remains unclear.

Labcorp Genetics (formerly Invitae), Labcorp
Classification: Uncertain significance for Familial adenomatous polyposis 1. Last evaluated: 2024-04-10. Review status: criteria provided, single submitter. Criteria: Invitae Variant Classification Sherloc (09022015). Collection method: clinical testing. Allele origin: germline.
Comment: This sequence change replaces valine, which is neutral and non-polar, with leucine, which is neutral and non-polar, at codon 368 of the APC protein (p.Val368Leu). This variant is not present in population databases (gnomAD no frequency). This variant has not been reported in the literature in individuals affected with APC-related conditions. ClinVar contains an entry for this variant (Variation ID: 1016596). Advanced modeling of protein sequence and biophysical properties (such as structural, functional, and spatial information, amino acid conservation, physicochemical variation, residue mobility, and thermodynamic stability) performed at Invitae indicates that this missense variant is not expected to disrupt APC protein function with a negative predictive value of 95%. In summary, the available evidence is currently insufficient to determine the role of this variant in disease. Therefore, it has been classified as a Variant of Uncertain Significance.

Color Diagnostics, LLC DBA Color Health
Classification: Uncertain significance for Hereditary cancer-predisposing syndrome. Last evaluated: 2024-03-07. Review status: criteria provided, single submitter. Criteria: ACMG Guidelines, 2015. Collection method: clinical testing. Allele origin: germline.
Comment: This missense variant replaces valine with leucine at codon 368 of the APC protein. Computational prediction suggests that this variant may not impact protein structure and function (internally defined REVEL score threshold <= 0.5, PMID: 27666373). To our knowledge, functional studies have not been reported for this variant. This variant has not been reported in individuals affected with hereditary cancer in the literature. This variant has not been identified in the general population by the Genome Aggregation Database (gnomAD). The available evidence is insufficient to determine the role of this variant in disease conclusively. Therefore, this variant is classified as a Variant of Uncertain Significance.

NM_000038.6(APC):c.1102G>C (p.Val368Leu)

Gene: APC (APC regulator of Wnt signaling pathway; plus strand). Cytogenetic location: 5q22.2.
Variant type: single nucleotide variant.
Coding change: c.1102G>C on transcript NM_000038.6 (MANE Select); coding-DNA position 1102, G replaced by C.
Protein change: p.Val368Leu; replaces valine 368 with leucine.
Molecular consequence: missense variant. On other transcripts: intron variant (4).
Genome position (GRCh38, 1-based): chr5:112,819,134, G>C. VCF-style: chr5-112819134-G-C. GRCh37 (hg19) VCF-style: chr5-112154831-G-C.
Other names: c.1102G>C, p.Val368Leu (NM_001127510.3, NM_001354895.2, NM_001354896.2); c.1048G>C, p.Val350Leu (NM_001127511.3); c.1132G>C, p.Val378Leu (NM_001354897.2); c.1027G>C, p.Val343Leu (NM_001354898.2); c.1018G>C, p.Val340Leu (NM_001354899.2); c.925G>C, p.Val309Leu (NM_001354900.2, NM_001354901.2); c.253G>C, p.Val85Leu (NM_001354906.2); c.964-135G>C (NM_001354902.2); and 3 more; short protein forms V309L, V340L, V343L, V350L, V368L, V378L, V85L.
Identifiers: ClinVar variation 1016596 (VCV001016596.16), dbSNP rs914534364, ClinGen allele CA16023727.